The following is an entry in ClinVar:

NM_001113491.2(SEPTIN9):c.1406G>A (p.Gly469Asp)

Gene: SEPTIN9 (septin 9; plus strand). Cytogenetic location: 17q25.3.
Variant type: single nucleotide variant.
Coding change: c.1406G>A on transcript NM_001113491.2 (MANE Select); coding-DNA position 1406, G replaced by A.
Protein change: p.Gly469Asp; replaces glycine 469 with aspartic acid.
Molecular consequence: missense variant.
Genome position (GRCh38, 1-based): chr17:77,492,646, G>A. VCF-style: chr17-77492646-G-A. GRCh37 (hg19) VCF-style: chr17-75488728-G-A.
Other names: c.914G>A, p.Gly305Asp (NM_001113492.2, NM_001113494.1); c.1385G>A, p.Gly462Asp (NM_001113493.2); c.653G>A, p.Gly218Asp (NM_001113495.2, NM_001113496.2, NM_001293697.2 and 1 more transcripts); c.1349G>A, p.Gly450Asp (NM_001293695.2); c.734G>A, p.Gly245Asp (NM_001293696.2); c.1352G>A, p.Gly451Asp (NM_006640.5); c.1352G>A (NM_006640.4); short protein forms G218D, G245D, G305D, G450D, G451D, G462D, G469D.
Identifiers: ClinVar variation 3603923 (VCV003603923.3).
Genomic context (GRCh38, chr17:77,492,646, plus strand): 5'-AGGGATGGGCCCATCTCTCTCCCTCCTTATCCCAGATCACCGCAGACCTGCTGTCCAACG[G>A]CATCGACGTGTACCCCCAGAAGGAATTTGATGAGGACTCGGAGGACCGGCTGGTGAACGA-3'
Protein context (NP_001106963.1, residues 459-479): QRITADLLSN[Gly469Asp]IDVYPQKEFD

ClinVar aggregate classification (germline): Uncertain significance. Review status: criteria provided, multiple submitters, no conflicts (2 of 4 stars). 2 submissions from 2 submitters: Uncertain significance (2). Last evaluated 2025-09-28.

Conditions:
Inborn genetic diseases. Identifiers: MedGen C0950123, MeSH D030342.

gnomAD v4.1: 7 of 1,614,116 alleles (0.00043%); highest among the groups gnomAD compares: East Asian, 0.0089%; no homozygotes.

Submissions (2):

Ambry Genetics
Classification: Uncertain significance for Inborn genetic diseases. Last evaluated: 2025-09-28. Review status: criteria provided, single submitter. Criteria: Ambry Variant Classification Scheme 2023. Collection method: clinical testing. Allele origin: germline.

Labcorp Genetics (formerly Invitae), Labcorp
Classification: Uncertain significance. Last evaluated: 2024-03-28. Review status: criteria provided, single submitter. Criteria: Invitae Variant Classification Sherloc (09022015). Collection method: clinical testing. Allele origin: germline.
Comment: This sequence change replaces glycine, which is neutral and non-polar, with aspartic acid, which is acidic and polar, at codon 451 of the SEPT9 protein (p.Gly451Asp). This variant is present in population databases (rs752437682, gnomAD 0.006%). This variant has not been reported in the literature in individuals affected with SEPT9-related conditions. Advanced modeling of protein sequence and biophysical properties (such as structural, functional, and spatial information, amino acid conservation, physicochemical variation, residue mobility, and thermodynamic stability) performed at Invitae indicates that this missense variant is not expected to disrupt SEPT9 protein function with a negative predictive value of 80%. In summary, the available evidence is currently insufficient to determine the role of this variant in disease. Therefore, it has been classified as a Variant of Uncertain Significance.